The following is an entry in ClinVar:

NM_021072.4(HCN1):c.1655G>C (p.Ser552Thr)

Gene: HCN1 (hyperpolarization activated cyclic nucleotide gated potassium channel 1; minus strand). Cytogenetic location: 5p12.
Variant type: single nucleotide variant.
Coding change: c.1655G>C on transcript NM_021072.4 (MANE Select); coding-DNA position 1655, G replaced by C.
Protein change: p.Ser552Thr; replaces serine 552 with threonine.
Molecular consequence: missense variant.
Genome position (GRCh38, 1-based): chr5:45,267,217, C>G on the plus strand (G>C on the coding strand, the complement: HCN1 is on the minus strand). VCF-style: chr5-45267217-C-G. GRCh37 (hg19) VCF-style: chr5-45267319-C-G.
Other names: short protein forms S552T.
Identifiers: ClinVar variation 938199 (VCV000938199.36), dbSNP rs936848980, ClinGen allele CA118278939.

ClinVar aggregate classification (germline): Uncertain significance. Review status: criteria provided, multiple submitters, no conflicts (2 of 4 stars). 3 submissions from 3 submitters: Uncertain significance (3). Last evaluated 2023-12-01.

Conditions:
Early-infantile DEE. Also called: Early infantile epileptic encephalopathy; Ohtahara syndrome; Early infantile epileptic encephalopathy with suppression bursts. Identifiers: Orphanet 1934, MedGen C0393706, MONDO:0800491.

Allele frequency attached by ClinVar (database versions not stated): gnomAD 0.00001; TOPMed 0.00005.
gnomAD v4.1: 2 of 1,613,892 alleles (0.00012%); highest among the groups gnomAD compares: Admixed American, 0.0033%; no homozygotes.

Submissions (3):

CeGaT Center for Human Genetics Tuebingen
Classification: Uncertain significance. Last evaluated: 2023-12-01. Review status: criteria provided, single submitter. Criteria: CeGaT Center For Human Genetics Tuebingen Variant Classification Criteria Version 2. Collection method: clinical testing. Allele origin: germline. Affected: yes. Observed: 2 variant alleles.
Comment: HCN1: PM2, PP2, PP3, BS2

Labcorp Genetics (formerly Invitae), Labcorp
Classification: Uncertain significance for Early-infantile DEE. Last evaluated: 2023-08-05. Review status: criteria provided, single submitter. Criteria: Invitae Variant Classification Sherloc (09022015). Collection method: clinical testing. Allele origin: germline.
Comment: In summary, the available evidence is currently insufficient to determine the role of this variant in disease. Therefore, it has been classified as a Variant of Uncertain Significance. Advanced modeling of protein sequence and biophysical properties (such as structural, functional, and spatial information, amino acid conservation, physicochemical variation, residue mobility, and thermodynamic stability) performed at Invitae indicates that this missense variant is expected to disrupt HCN1 protein function. ClinVar contains an entry for this variant (Variation ID: 938199). This variant has not been reported in the literature in individuals affected with HCN1-related conditions. This variant is not present in population databases (gnomAD no frequency). This sequence change replaces serine, which is neutral and polar, with threonine, which is neutral and polar, at codon 552 of the HCN1 protein (p.Ser552Thr).

GeneDx
Classification: Uncertain significance. Last evaluated: 2022-10-27. Review status: criteria provided, single submitter. Criteria: GeneDx Variant Classification Process June 2021. Collection method: clinical testing. Allele origin: germline. Affected: yes.
Comment: Not observed at significant frequency in large population cohorts (gnomAD); In silico analysis supports that this missense variant has a deleterious effect on protein structure/function; Has not been previously published as pathogenic or benign to our knowledge